The following is an entry in ClinVar:

NM_000051.4(ATM):c.7165_7166del (p.Ser2389fs)

Genes: ATM (ATM serine/threonine kinase; plus strand), C11orf65 (chromosome 11 open reading frame 65; minus strand). Cytogenetic location: 11q22.3.
Variant type: Microsatellite.
Coding change: c.7165_7166del on transcript NM_000051.4 (MANE Select); coding-DNA positions 7165 to 7166, 2 bases deleted (TC; older notation c.7165_7166delTC).
Protein change: p.Ser2389fs; shifts the reading frame from serine 2389.
Molecular consequence: frameshift variant. On other transcripts: intron variant (2).
Genome position (GRCh38, 1-based): chr11:108,329,096-108,329,097, TC deleted; deleting any 2 consecutive bases within chr11:108,329,092-108,329,097 gives the same sequence; the c. name uses the placement nearest the transcript's 3' end. VCF-style (leftmost placement, unchanged base first): chr11-108329091-TTC-T. GRCh37 (hg19) VCF-style: chr11-108199818-TTC-T.
Other names: c.7165_7166del, p.Ser2389fs (NM_001351834.2); c.641-20026GA[2] (NM_001330368.2); c.*38+6123GA[2] (NM_001351110.2); short protein forms S2389fs.
Identifiers: ClinVar variation 4723019 (VCV004723019.1).

ClinVar aggregate classification (germline): Pathogenic (1 of 4 stars; one submission).

Conditions:
Ataxia-telangiectasia syndrome (AT). Also called: Ataxia-telangiectasia, complementation group D; AT, COMPLEMENTATION GROUP C; ATAXIA-TELANGIECTASIA, COMPLEMENTATION GROUP A; ATAXIA-TELANGIECTASIA, FRESNO VARIANT; Ataxia-telangiectasia; Ataxia-telangiectasia, complementation group E. Identifiers: Orphanet 100, MedGen C0004135, MONDO:0008840, OMIM 208900.

Submission:

Labcorp Genetics (formerly Invitae), Labcorp
Classification: Pathogenic for Ataxia-telangiectasia syndrome. Last evaluated: 2025-07-10. Review status: criteria provided, single submitter. Criteria: Invitae Variant Classification Sherloc (09022015). Collection method: clinical testing. Allele origin: germline.
Comment: This sequence change creates a premature translational stop signal (p.Ser2389Ilefs*13) in the ATM gene. It is expected to result in an absent or disrupted protein product. Loss-of-function variants in ATM are known to be pathogenic (PMID: 23807571, 25614872). This variant is not present in population databases (gnomAD no frequency). This variant has not been reported in the literature in individuals affected with ATM-related conditions. For these reasons, this variant has been classified as Pathogenic.

Literature cited by the submitters: PubMed 23807571; PubMed 25614872.